The following is an entry in ClinVar:

ClinVar aggregate classification (germline): Uncertain significance (1 of 4 stars; one submission).

Conditions:
Autosomal dominant limb-girdle muscular dystrophy type 1F (LGMDD2). Also called: MUSCULAR DYSTROPHY, LIMB-GIRDLE, AUTOSOMAL DOMINANT 2; Limb-girdle muscular dystrophy, type 1F. Identifiers: Orphanet 55595, MedGen C1842062, MONDO:0012034, OMIM 608423.

gnomAD v4.1: 1 of 1,611,832 alleles (0.000062%); highest among the groups gnomAD compares: Non-Finnish European, 0.000085%; no homozygotes.

Submission:

Labcorp Genetics (formerly Invitae), Labcorp
Classification: Uncertain significance for Autosomal dominant limb-girdle muscular dystrophy type 1F. Last evaluated: 2025-01-01. Review status: criteria provided, single submitter. Criteria: Invitae Variant Classification Sherloc (09022015). Collection method: clinical testing. Allele origin: germline.
Comment: This sequence change replaces histidine, which is basic and polar, with aspartic acid, which is acidic and polar, at codon 693 of the TNPO3 protein (p.His693Asp). This variant is not present in population databases (gnomAD no frequency). This variant has not been reported in the literature in individuals affected with TNPO3-related conditions. Invitae Evidence Modeling of protein sequence and biophysical properties (such as structural, functional, and spatial information, amino acid conservation, physicochemical variation, residue mobility, and thermodynamic stability) indicates that this missense variant is not expected to disrupt TNPO3 protein function with a negative predictive value of 80%. In summary, the available evidence is currently insufficient to determine the role of this variant in disease. Therefore, it has been classified as a Variant of Uncertain Significance.

NM_012470.4(TNPO3):c.2077C>G (p.His693Asp)

Gene: TNPO3 (transportin 3; minus strand). Cytogenetic location: 7q32.1.
Variant type: single nucleotide variant.
Coding change: c.2077C>G on transcript NM_012470.4 (MANE Select); coding-DNA position 2077, C replaced by G.
Protein change: p.His693Asp; replaces histidine 693 with aspartic acid.
Molecular consequence: missense variant. On other transcripts: non-coding transcript variant (18).
Genome position (GRCh38, 1-based): chr7:128,975,920, G>C on the plus strand (C>G on the coding strand, the complement: TNPO3 is on the minus strand). VCF-style: chr7-128975920-G-C. GRCh37 (hg19) VCF-style: chr7-128615974-G-C.
Other names: c.1885C>G, p.His629Asp (NM_001382223.1, NM_001191028.3); c.2179C>G, p.His727Asp (NM_001382216.1); c.2158C>G, p.His720Asp (NM_001382217.1); c.2077C>G, p.His693Asp (NM_001382218.1); c.1969C>G, p.His657Asp (NM_001382219.1); c.1936C>G, p.His646Asp (NM_001382220.1); c.1933C>G, p.His645Asp (NM_001382221.1); c.1930C>G, p.His644Asp (NM_001382222.1); short protein forms H644D, H645D, H657D, H629D, H646D, H693D, H720D, H727D.
Identifiers: ClinVar variation 3676837 (VCV003676837.2).
Genomic context (GRCh38, chr7:128,975,920, plus strand): 5'-TGCCATATTCATCCACAAGGATACTGCCAAGGTACAGGAAGCAGGAATGCTGATGTACGT[G>C]GTACACATTCACCATCTGTTGAGGGAAAAAACAATTAGTTCAATGCTTCGTCCTTCAAAA-3'
Protein context (NP_036602.1, residues 683-703): PLVTQMVNVY[His693Asp]VHQHSCFLYL